The following is an entry in ClinVar:

NM_001367561.1(DOCK7):c.4380-12_4380-4del

Gene: DOCK7 (dedicator of cytokinesis 7; minus strand). Cytogenetic location: 1p31.3.
Variant type: Deletion.
Coding change: c.4380-12_4380-4del on transcript NM_001367561.1 (MANE Select); 12 bases into the intron before coding-DNA position 4380 through 4 bases into the intron before coding-DNA position 4380, 9 bases deleted (ATTTTGTAT; older notation c.4380-12_4380-4delATTTTGTAT).
Molecular consequence: intron variant.
Genome position (GRCh38, 1-based): chr1:62,508,062-62,508,070, ATACAAAAT deleted on the plus strand (ATTTTGTAT on the coding strand, the reverse complement: DOCK7 is on the minus strand); deleting any 9 consecutive bases within chr1:62,508,062-62,508,072 gives the same sequence; the c. name uses the placement nearest the transcript's 3' end. VCF-style (leftmost placement, unchanged base first): chr1-62508061-AATACAAAAT-A. GRCh37 (hg19) VCF-style: chr1-62973732-AATACAAAAT-A.
Other names: c.4260-12_4260-4del (NM_001272001.2, NM_001272000.2); c.4287-12_4287-4del (NM_033407.4); c.4353-12_4353-4del (NM_001271999.2, NM_001330614.2).
Identifiers: ClinVar variation 1561939 (VCV001561939.10), dbSNP rs773057749, ClinGen allele CA23778017.

ClinVar aggregate classification (germline): Conflicting classifications of pathogenicity. Review status: criteria provided, conflicting classifications (1 of 4 stars). 2 submissions from 2 submitters: Uncertain significance (1); Likely benign (1). Last evaluated 2026-03-24.

Conditions:
Developmental and epileptic encephalopathy, 23 (DEE23). Also called: Epileptic encephalopathy, early infantile, 23. Identifiers: Orphanet 411986, MedGen C4014492, MONDO:0014371, OMIM 615859.

Submissions (2):

GeneDx
Classification: Uncertain significance. Last evaluated: 2026-03-24. Review status: criteria provided, single submitter. Criteria: GeneDx Variant Classification Process June 2021. Collection method: clinical testing. Allele origin: germline.
Comment: Not observed at significant frequency in large population cohorts (gnomAD); In silico analysis supports a deleterious effect on splicing; Has not been previously published as pathogenic or benign to our knowledge

Labcorp Genetics (formerly Invitae), Labcorp
Classification: Likely benign for Developmental and epileptic encephalopathy, 23. Last evaluated: 2024-05-02. Review status: criteria provided, single submitter. Criteria: Invitae Variant Classification Sherloc (09022015). Collection method: clinical testing. Allele origin: germline.